The following is an entry in ClinVar:

ClinVar aggregate classification (germline): Uncertain significance (1 of 4 stars; one submission).

Allele frequency attached by ClinVar (database versions not stated): gnomAD exomes below 0.00001; gnomAD 0.00001.
gnomAD v4.1: 3 of 1,613,858 alleles (0.00019%); highest among the groups gnomAD compares: Non-Finnish European, 0.00025%; no homozygotes.

Submission:

Labcorp Genetics (formerly Invitae), Labcorp
Classification: Uncertain significance. Last evaluated: 2023-10-22. Review status: criteria provided, single submitter. Criteria: Invitae Variant Classification Sherloc (09022015). Collection method: clinical testing. Allele origin: germline.
Comment: This sequence change falls in intron 45 of the MTOR gene. It does not directly change the encoded amino acid sequence of the MTOR protein. It affects a nucleotide within the consensus splice site. The frequency data for this variant in the population databases is considered unreliable, as metrics indicate poor data quality at this position in the gnomAD database. This variant has not been reported in the literature in individuals affected with MTOR-related conditions. Variants that disrupt the consensus splice site are a relatively common cause of aberrant splicing (PMID: 17576681, 9536098). Algorithms developed to predict the effect of sequence changes on RNA splicing suggest that this variant is not likely to affect RNA splicing. In summary, the available evidence is currently insufficient to determine the role of this variant in disease. Therefore, it has been classified as a Variant of Uncertain Significance.

Literature cited by the submitters: PubMed 17576681; PubMed 9536098.

NM_004958.4(MTOR):c.6351+5G>T

Gene: MTOR (mechanistic target of rapamycin kinase; minus strand). Cytogenetic location: 1p36.22.
Variant type: single nucleotide variant.
Coding change: c.6351+5G>T on transcript NM_004958.4 (MANE Select); 5 bases into the intron after coding-DNA position 6351, G replaced by T.
Molecular consequence: intron variant.
Genome position (GRCh38, 1-based): chr1:11,127,005, C>A on the plus strand (G>T on the coding strand, the complement: MTOR is on the minus strand). VCF-style: chr1-11127005-C-A. GRCh37 (hg19) VCF-style: chr1-11187062-C-A.
Other names: c.5103+5G>T (NM_001386501.1); c.6351+5G>T (NM_001386500.1).
Identifiers: ClinVar variation 2768094 (VCV002768094.3), dbSNP rs368941866, ClinGen allele CA521176665.